The following is an entry in ClinVar:

NM_000065.5(C6):c.433C>T (p.Arg145Cys)

Gene: C6 (complement C6; minus strand). Cytogenetic location: 5p13.1.
Variant type: single nucleotide variant.
Coding change: c.433C>T on transcript NM_000065.5 (MANE Select); coding-DNA position 433, C replaced by T.
Protein change: p.Arg145Cys; replaces arginine 145 with cysteine.
Molecular consequence: missense variant.
Genome position (GRCh38, 1-based): chr5:41,199,780, G>A on the plus strand (C>T on the coding strand, the complement: C6 is on the minus strand). VCF-style: chr5-41199780-G-A. GRCh37 (hg19) VCF-style: chr5-41199882-G-A.
Other names: c.433C>T, p.Arg145Cys (NM_001115131.4); short protein forms R145C.
Identifiers: ClinVar variation 4681657 (VCV004681657.5), dbSNP rs267600638.

ClinVar aggregate classification (germline): Uncertain significance (1 of 4 stars; one submission).

Submission:

CeGaT Center for Human Genetics Tuebingen
Classification: Uncertain significance. Last evaluated: 2025-12-01. Review status: criteria provided, single submitter. Criteria: CeGaT Center For Human Genetics Tuebingen Variant Classification Criteria Version 2. Collection method: clinical testing. Allele origin: germline. Affected: yes. Observed: 1 variant allele.
Comment: C6: PM2, PM3:Supporting